The following is an entry in ClinVar:

ClinVar aggregate classification (germline): Uncertain significance (1 of 4 stars; one submission).

gnomAD v4.1: 3 of 1,613,976 alleles (0.00019%); highest among the groups gnomAD compares: South Asian, 0.0022%; no homozygotes.

Submission:

Labcorp Genetics (formerly Invitae), Labcorp
Classification: Uncertain significance. Last evaluated: 2025-03-27. Review status: criteria provided, single submitter. Criteria: Invitae Variant Classification Sherloc (09022015). Collection method: clinical testing. Allele origin: germline.
Comment: This sequence change replaces glutamic acid, which is acidic and polar, with lysine, which is basic and polar, at codon 510 of the PPP2R5D protein (p.Glu510Lys). This variant is not present in population databases (gnomAD no frequency). This variant has not been reported in the literature in individuals affected with PPP2R5D-related conditions. An algorithm developed to predict the effect of missense changes on protein structure and function (PolyPhen-2) suggests that this variant is likely to be tolerated. In summary, the available evidence is currently insufficient to determine the role of this variant in disease. Therefore, it has been classified as a Variant of Uncertain Significance.

NM_006245.4(PPP2R5D):c.1528G>A (p.Glu510Lys)

Gene: PPP2R5D (protein phosphatase 2 regulatory subunit B'delta; plus strand). Cytogenetic location: 6p21.1.
Variant type: single nucleotide variant.
Coding change: c.1528G>A on transcript NM_006245.4 (MANE Select); coding-DNA position 1528, G replaced by A.
Protein change: p.Glu510Lys; replaces glutamic acid 510 with lysine.
Molecular consequence: missense variant.
Genome position (GRCh38, 1-based): chr6:43,010,710, G>A. VCF-style: chr6-43010710-G-A. GRCh37 (hg19) VCF-style: chr6-42978448-G-A.
Other names: c.1075G>A, p.Glu359Lys (NM_001270476.2); c.1432G>A, p.Glu478Lys (NM_180976.3); c.1210G>A, p.Glu404Lys (NM_180977.3); short protein forms E478K, E510K, E404K, E359K.
Identifiers: ClinVar variation 3682699 (VCV003682699.2).